The following is an entry in ClinVar:

NM_001395413.1(POR):c.1600G>A (p.Gly534Ser)

Gene: POR (cytochrome p450 oxidoreductase; plus strand). Cytogenetic location: 7q11.23.
Variant type: single nucleotide variant.
Coding change: c.1600G>A on transcript NM_001395413.1 (MANE Select); coding-DNA position 1600, G replaced by A.
Protein change: p.Gly534Ser; replaces glycine 534 with serine.
Molecular consequence: missense variant.
Genome position (GRCh38, 1-based): chr7:75,985,789, G>A. VCF-style: chr7-75985789-G-A. GRCh37 (hg19) VCF-style: chr7-75615107-G-A.
Other names: c.1600G>A, p.Gly534Ser (NM_001367562.3, NM_001382657.2, NM_001382658.3 and 1 more transcripts); c.1654G>A, p.Gly552Ser (NM_001382655.3); c.1450G>A, p.Gly484Ser (NM_001382662.3); c.1609G>A (NM_000941.2); short protein forms G484S, G534S, G552S.
Identifiers: ClinVar variation 1437920 (VCV001437920.8), dbSNP rs569673150, ClinGen allele CA4304202.

ClinVar aggregate classification (germline): Uncertain significance. Review status: criteria provided, multiple submitters, no conflicts (2 of 4 stars). 3 submissions from 3 submitters: Uncertain significance (3). Last evaluated 2025-08-01.

Conditions:
Inborn genetic diseases. Identifiers: MedGen C0950123, MeSH D030342.
Congenital adrenal hyperplasia due to cytochrome P450 oxidoreductase deficiency. Also called: DISORDERED STEROIDOGENESIS DUE TO POR DEFICIENCY. Identifiers: Orphanet 95699, MedGen C1860042, MONDO:0013310, OMIM 613571.

Allele frequency attached by ClinVar (database versions not stated): 1000 Genomes Project 0.00020; 1000 Genomes Project 30x 0.00031.

Submissions (3):

Ambry Genetics
Classification: Uncertain significance for Inborn genetic diseases. Last evaluated: 2025-08-01. Review status: criteria provided, single submitter. Criteria: Ambry Variant Classification Scheme 2023. Collection method: clinical testing. Allele origin: germline.

Labcorp Genetics (formerly Invitae), Labcorp
Classification: Uncertain significance for Congenital adrenal hyperplasia due to cytochrome P450 oxidoreductase deficiency. Last evaluated: 2022-04-26. Review status: criteria provided, single submitter. Criteria: Invitae Variant Classification Sherloc (09022015). Collection method: clinical testing. Allele origin: germline.
Comment: This sequence change replaces glycine, which is neutral and non-polar, with serine, which is neutral and polar, at codon 537 of the POR protein (p.Gly537Ser). This variant is present in population databases (rs569673150, gnomAD 0.05%). This variant has not been reported in the literature in individuals affected with POR-related conditions. Algorithms developed to predict the effect of missense changes on protein structure and function (SIFT, PolyPhen-2, Align-GVGD) all suggest that this variant is likely to be disruptive. Algorithms developed to predict the effect of sequence changes on RNA splicing suggest that this variant may create or strengthen a splice site. In summary, the available evidence is currently insufficient to determine the role of this variant in disease. Therefore, it has been classified as a Variant of Uncertain Significance.

Blueprint Genetics
Classification: Uncertain significance. Last evaluated: 2018-11-20. Review status: criteria provided, single submitter. Criteria: ACMG Guidelines, 2015. Collection method: clinical testing. Allele origin: germline.